The following is an entry in ClinVar:

NM_001204.7(BMPR2):c.3061G>A (p.Glu1021Lys)

Gene: BMPR2 (bone morphogenetic protein receptor type 2; plus strand). Cytogenetic location: 2q33.2.
Variant type: single nucleotide variant.
Coding change: c.3061G>A on transcript NM_001204.7 (MANE Select); coding-DNA position 3061, G replaced by A.
Protein change: p.Glu1021Lys; replaces glutamic acid 1021 with lysine.
Molecular consequence: missense variant.
Genome position (GRCh38, 1-based): chr2:202,559,890, G>A. VCF-style: chr2-202559890-G-A. GRCh37 (hg19) VCF-style: chr2-203424613-G-A.
Other names: short protein forms E1021K.
Identifiers: ClinVar variation 4824929 (VCV004824929.1).

ClinVar aggregate classification (germline): Uncertain significance (1 of 4 stars; one submission).

Conditions:
Inborn genetic diseases. Identifiers: MedGen C0950123, MeSH D030342.

Submission:

Ambry Genetics
Classification: Uncertain significance for Inborn genetic diseases. Last evaluated: 2026-02-18. Review status: criteria provided, single submitter. Criteria: Ambry Variant Classification Scheme 2023. Collection method: clinical testing. Allele origin: germline.
Comment: The p.E1021K variant (also known as c.3061G>A), located in coding exon 13 of the BMPR2 gene, results from a G to A substitution at nucleotide position 3061. The glutamic acid at codon 1021 is replaced by lysine, an amino acid with similar properties. This amino acid position is conserved. In addition, the in silico prediction for this alteration is inconclusive. Based on the available evidence, the clinical significance of this variant remains unclear.